The following is an entry in ClinVar:

NM_000203.5(IDUA):c.589+1G>A

Gene: IDUA (alpha-L-iduronidase; plus strand). Cytogenetic location: 4p16.3.
Variant type: single nucleotide variant.
Coding change: c.589+1G>A on transcript NM_000203.5 (MANE Select); the canonical splice donor site of the intron after coding-DNA position 589, G replaced by A.
Molecular consequence: splice donor variant.
Genome position (GRCh38, 1-based): chr4:1,001,564, G>A. VCF-style: chr4-1001564-G-A. GRCh37 (hg19) VCF-style: chr4-995352-G-A.
Other names: c.193+1G>A (NM_001363576.1); c.589+1G>A (NM_000203.4).
Identifiers: ClinVar variation 558079 (VCV000558079.9), dbSNP rs1293215555, ClinGen allele CA355961842.
Genomic context (GRCh38, chr4:1,001,564, plus strand): 5'-TCGAGACGTGGAATGAGCCAGACCACCACGACTTTGACAACGTCTCCATGACCATGCAAG[G>A]TGTGCACCGCTTCCTGGGGTCCTGCCCGGCTGAAAGGGGGCAGAGGAAGGCAGGAGCAGA-3'

ClinVar aggregate classification (germline): Likely pathogenic. Review status: criteria provided, multiple submitters, no conflicts (2 of 4 stars). 3 submissions from 3 submitters: Likely pathogenic (2). 1 of the submissions does not count toward it. Last evaluated 2025-07-11.

Conditions:
Mucopolysaccharidosis type 1. Also called: Mucopolysaccharidosis Type I; IDUA deficiency; MPS I. Identifiers: Orphanet 579, MedGen C0023786, MONDO:0001586.
Hurler syndrome. Also called: Gargoylism, Hurler Syndrome; MUCOPOLYSACCHARIDOSIS TYPE IH; Severe MPS I (Hurler Syndrome). Identifiers: Orphanet 93473, MedGen C0086795, MONDO:0011758, OMIM 607014.

Allele frequency attached by ClinVar (database versions not stated): gnomAD exomes below 0.00001; gnomAD 0.00001.
gnomAD v4.1: 2 of 1,612,938 alleles (0.00012%); highest among the groups gnomAD compares: Non-Finnish European, 0.00017%; no homozygotes.

Submissions (3):

Natera, Inc.
Classification: Likely pathogenic for Mucopolysaccharidosis type I. Last evaluated: 2025-07-11. Review status: criteria provided, single submitter. Criteria: Natera Variant Classification Schema (03/2026). Collection method: clinical testing. Allele origin: germline.
Comment: The c.589+1G>A variant in IDUA is a canonical splice donor site variant predicted to affect pre-mRNA splicing, which may result in an abnormal transcript and altered protein product. This variant is expected to result in nonsense mediated decay, truncation, or a dysfunctional protein product. This variant is rare in the general population with a frequency below the threshold expected for the associated phenotype(s). This variant has been observed in one or more individuals affected with the associated recessive disease, as either homozygous or compound heterozygous with a second variant (PMID: 12865757). Given the available evidence, this variant is classified as Likely Pathogenic.

Labcorp Genetics (formerly Invitae), Labcorp
Classification: Likely pathogenic for Mucopolysaccharidosis type 1. Last evaluated: 2023-04-18. Review status: criteria provided, single submitter. Criteria: Invitae Variant Classification Sherloc (09022015). Collection method: clinical testing. Allele origin: germline.
Comment: This sequence change affects a donor splice site in intron 5 of the IDUA gene. It is expected to disrupt RNA splicing. Variants that disrupt the donor or acceptor splice site typically lead to a loss of protein function (PMID: 16199547), and loss-of-function variants in IDUA are known to be pathogenic (PMID: 11735025, 21480867). This variant is present in population databases (no rsID available, gnomAD 0.007%). This variant has not been reported in the literature in individuals affected with IDUA-related conditions. ClinVar contains an entry for this variant (Variation ID: 558079). Algorithms developed to predict the effect of sequence changes on RNA splicing suggest that this variant may disrupt the consensus splice site. In summary, the currently available evidence indicates that the variant is pathogenic, but additional data are needed to prove that conclusively. Therefore, this variant has been classified as Likely Pathogenic.

Counsyl
Classification: Likely pathogenic for Hurler syndrome. Last evaluated: 2018-05-02. Review status: no assertion criteria provided. Collection method: clinical testing. Allele origin: unknown. Not counted in ClinVar's aggregate classification.

Literature cited by the submitters: PubMed 12865757 (cited by Natera, Inc.); PubMed 16199547 (cited by Labcorp Genetics (formerly Invitae), Labcorp); PubMed 11735025 (cited by Labcorp Genetics (formerly Invitae), Labcorp); PubMed 21480867 (cited by Labcorp Genetics (formerly Invitae), Labcorp).